The following is an entry in ClinVar:

NM_000064.4(C3):c.1475A>C (p.Tyr492Ser)

Gene: C3 (complement C3; minus strand). Cytogenetic location: 19p13.3.
Variant type: single nucleotide variant.
Coding change: c.1475A>C on transcript NM_000064.4 (MANE Select); coding-DNA position 1475, A replaced by C.
Protein change: p.Tyr492Ser; replaces tyrosine 492 with serine.
Molecular consequence: missense variant.
Genome position (GRCh38, 1-based): chr19:6,710,991, T>G on the plus strand (A>C on the coding strand, the complement: C3 is on the minus strand). VCF-style: chr19-6710991-T-G. GRCh37 (hg19) VCF-style: chr19-6711002-T-G.
Other names: short protein forms Y492S.
Identifiers: ClinVar variation 4769358 (VCV004769358.1).

ClinVar aggregate classification (germline): Uncertain significance (1 of 4 stars; one submission).

Submission:

Labcorp Genetics (formerly Invitae), Labcorp
Classification: Uncertain significance. Last evaluated: 2025-10-03. Review status: criteria provided, single submitter. Criteria: Invitae Variant Classification Sherloc (09022015). Collection method: clinical testing. Allele origin: germline.
Comment: This sequence change replaces tyrosine, which is neutral and polar, with serine, which is neutral and polar, at codon 492 of the C3 protein (p.Tyr492Ser). This variant is not present in population databases (gnomAD no frequency). This variant has not been reported in the literature in individuals affected with C3-related conditions. Invitae Evidence Modeling of protein sequence and biophysical properties (such as structural, functional, and spatial information, amino acid conservation, physicochemical variation, residue mobility, and thermodynamic stability) indicates that this missense variant is expected to disrupt C3 protein function with a positive predictive value of 80%. In summary, the available evidence is currently insufficient to determine the role of this variant in disease. Therefore, it has been classified as a Variant of Uncertain Significance.